The following is an entry in ClinVar:

ClinVar aggregate classification (germline): Benign/Likely benign. Review status: criteria provided, multiple submitters, no conflicts (2 of 4 stars). 3 submissions from 3 submitters: Benign (1); Likely benign (2). Last evaluated 2025-12-23.

Conditions:
Hereditary cancer-predisposing syndrome. Also called: Neoplastic Syndromes, Hereditary; Hereditary neoplastic syndrome; Hereditary Cancer Syndrome; Tumor predisposition. Identifiers: Orphanet 140162, MedGen C0027672, MeSH D009386, MONDO:0015356.
POLD1-related polyposis and colorectal cancer syndrome (CRCS10). Also called: Colorectal cancer, susceptibility to, 10; Colorectal cancer 10; COLORECTAL CANCER, SUSCEPTIBILITY TO, ON CHROMOSOME 19q. Identifiers: Orphanet 220460, MedGen C2675481, MONDO:0012953, OMIM 612591.

Allele frequency attached by ClinVar (database versions not stated): gnomAD exomes below 0.00001 and 0.00001; ExAC 0.00001; TOPMed 0.00001.
gnomAD v4.1: 5 of 1,613,970 alleles (0.00031%); highest among the groups gnomAD compares: South Asian, 0.0011%; no homozygotes.

Submissions (3):

Labcorp Genetics (formerly Invitae), Labcorp
Classification: Likely benign for POLD1-related polyposis and colorectal cancer syndrome. Last evaluated: 2025-12-23. Review status: criteria provided, single submitter. Criteria: Invitae Variant Classification Sherloc (09022015). Collection method: clinical testing. Allele origin: germline.

Ambry Genetics
Classification: Likely benign for Hereditary cancer-predisposing syndrome. Last evaluated: 2025-09-04. Review status: criteria provided, single submitter. Criteria: Ambry Variant Classification Scheme 2023. Collection method: clinical testing. Allele origin: germline.

Myriad Genetics, Inc.
Classification: Benign for POLD1-related polyposis and colorectal cancer syndrome. Last evaluated: 2025-02-05. Review status: criteria provided, single submitter. Criteria: Myriad Autosomal Dominant, Autosomal Recessive and X-Linked Classification Criteria (2023). Collection method: clinical testing. Allele origin: unknown.
Comment: This variant is considered benign. This variant is a silent/synonymous amino acid change and it is not expected to impact splicing.

NM_002691.4(POLD1):c.1203C>T (p.Phe401=)

Gene: POLD1 (DNA polymerase delta 1, catalytic subunit; plus strand). Cytogenetic location: 19q13.33.
Variant type: single nucleotide variant.
Coding change: c.1203C>T on transcript NM_002691.4 (MANE Select); coding-DNA position 1203, C replaced by T.
Protein change: p.Phe401=; no amino-acid change (phenylalanine 401 retained).
Molecular consequence: synonymous variant. On other transcripts: non-coding transcript variant (1).
Genome position (GRCh38, 1-based): chr19:50,403,558, C>T. VCF-style: chr19-50403558-C-T. GRCh37 (hg19) VCF-style: chr19-50906815-C-T.
Other names: c.1203C>T, p.Phe401= (NM_001256849.1, NM_001308632.1).
Identifiers: ClinVar variation 414741 (VCV000414741.16), dbSNP rs746700905, ClinGen allele CA9596062.